The following is an entry in ClinVar:

NM_012424.6(RPS6KC1):c.1192G>A (p.Glu398Lys)

Gene: RPS6KC1 (ribosomal protein S6 kinase C1; plus strand). Cytogenetic location: 1q32.3.
Variant type: single nucleotide variant.
Coding change: c.1192G>A on transcript NM_012424.6 (MANE Select); coding-DNA position 1192, G replaced by A.
Protein change: p.Glu398Lys; replaces glutamic acid 398 with lysine.
Molecular consequence: missense variant. On other transcripts: non-coding transcript variant (3), intron variant (11).
Genome position (GRCh38, 1-based): chr1:213,232,222, G>A. VCF-style: chr1-213232222-G-A. GRCh37 (hg19) VCF-style: chr1-213405565-G-A.
Other names: c.1156G>A, p.Glu386Lys (NM_001136138.4); c.556G>A, p.Glu186Lys (NM_001287218.3, NM_001287219.3, NM_001349654.2); c.649G>A, p.Glu217Lys (NM_001287221.3, NM_001349648.2, NM_001349649.2 and 4 more transcripts); c.1099G>A, p.Glu367Lys (NM_001349646.2); c.829G>A, p.Glu277Lys (NM_001349647.2); c.301G>A, p.Glu101Lys (NM_001349657.2, NM_001349658.2); c.136G>A, p.Glu46Lys (NM_001349659.2, NM_001349660.2, NM_001349661.2 and 1 more transcripts); c.-170-8480G>A (NM_001349669.2, NM_001349666.2, NM_001349664.2 and 8 more transcripts); short protein forms E217K, E277K, E386K, E398K, E46K, E367K, E101K, E186K.
Identifiers: ClinVar variation 1927755 (VCV001927755.5), dbSNP rs1284210994, ClinGen allele CA344889030.
Genomic context (GRCh38, chr1:213,232,222, plus strand): 5'-ACCATCATCCCCCGCTGTGTGCCCAACATGGTGTGTCTGCATAAGTACATCATCTCTGAG[G>A]AGTCAGTATTTCTTGTGCTGCAGCATGCGGAAGGTTGGTTTGTAGTTTGGATTGTTTATG-3'
Protein context (NP_036556.2, residues 388-408): VCLHKYIISE[Glu398Lys]SVFLVLQHAE

ClinVar aggregate classification (germline): Uncertain significance (1 of 4 stars; one submission).

Allele frequency attached by ClinVar (database versions not stated): gnomAD exomes below 0.00001.
gnomAD v4.1: 2 of 1,614,002 alleles (0.00012%); highest among the groups gnomAD compares: Admixed American, 0.0033%; no homozygotes.

Submission:

Labcorp Genetics (formerly Invitae), Labcorp
Classification: Uncertain significance. Last evaluated: 2023-08-04. Review status: criteria provided, single submitter. Criteria: Invitae Variant Classification Sherloc (09022015). Collection method: clinical testing. Allele origin: germline.
Comment: In summary, the available evidence is currently insufficient to determine the role of this variant in disease. Therefore, it has been classified as a Variant of Uncertain Significance. Algorithms developed to predict the effect of sequence changes on RNA splicing suggest that this variant may create or strengthen a splice site. An algorithm developed to predict the effect of missense changes on protein structure and function (PolyPhen-2) suggests that this variant is likely to be tolerated. ClinVar contains an entry for this variant (Variation ID: 1927755). This variant has not been reported in the literature in individuals affected with RPS6KC1-related conditions. This variant is present in population databases (no rsID available, gnomAD 0.006%). This sequence change replaces glutamic acid, which is acidic and polar, with lysine, which is basic and polar, at codon 398 of the RPS6KC1 protein (p.Glu398Lys).